The following is an entry in ClinVar:

ClinVar aggregate classification (germline): Uncertain significance (1 of 4 stars; one submission).

Conditions:
Hereditary cancer-predisposing syndrome. Also called: Neoplastic Syndromes, Hereditary; Tumor predisposition; Hereditary Cancer Syndrome; Hereditary neoplastic syndrome. Identifiers: Orphanet 140162, MedGen C0027672, MeSH D009386, MONDO:0015356.

Submission:

Ambry Genetics
Classification: Uncertain significance for Hereditary cancer-predisposing syndrome. Last evaluated: 2026-04-28. Review status: criteria provided, single submitter. Criteria: Ambry Variant Classification Scheme 2023. Collection method: clinical testing. Allele origin: germline.
Comment: The p.T150I variant (also known as c.449C>T), located in coding exon 2 of the MEN1 gene, results from a C to T substitution at nucleotide position 449. The threonine at codon 150 is replaced by isoleucine, an amino acid with similar properties. This amino acid position is conserved. In addition, this alteration is predicted to be deleterious by in silico analysis. Based on the available evidence, the clinical significance of this variant remains unclear.

NM_001370259.2(MEN1):c.449C>T (p.Thr150Ile)

Gene: MEN1 (menin 1; minus strand). Cytogenetic location: 11q13.1.
Variant type: single nucleotide variant.
Coding change: c.449C>T on transcript NM_001370259.2 (MANE Select); coding-DNA position 449, C replaced by T.
Protein change: p.Thr150Ile; replaces threonine 150 with isoleucine.
Molecular consequence: missense variant. On other transcripts: non-coding transcript variant (4).
Genome position (GRCh38, 1-based): chr11:64,808,096, G>A on the plus strand (C>T on the coding strand, the complement: MEN1 is on the minus strand). VCF-style: chr11-64808096-G-A. GRCh37 (hg19) VCF-style: chr11-64575568-G-A.
Other names: c.464C>T, p.Thr155Ile (NM_000244.4, NM_001407145.1, NM_001407150.1 and 5 more transcripts); c.449C>T, p.Thr150Ile (NM_001370251.2, NM_001370260.2, NM_001370261.2 and 12 more transcripts); short protein forms T150I, T155I.
Identifiers: ClinVar variation 4859907 (VCV004859907.1).